The following is an entry in ClinVar:

NM_002769.5(PRSS1):c.707T>G (p.Val236Gly)

Genes: PRSS1 (serine protease 1; plus strand), TRB (T cell receptor beta locus; plus strand). Cytogenetic location: 7q34.
Variant type: single nucleotide variant.
Coding change: c.707T>G on transcript NM_002769.5 (MANE Select); coding-DNA position 707, T replaced by G.
Protein change: p.Val236Gly; replaces valine 236 with glycine.
Molecular consequence: missense variant. On other transcripts: non-coding transcript variant (5).
Genome position (GRCh38, 1-based): chr7:142,752,983, T>G. VCF-style: chr7-142752983-T-G. GRCh37 (hg19) VCF-style: chr7-142460834-T-G.
Other names: short protein forms V236G.
Identifiers: ClinVar variation 3222826 (VCV003222826.1), dbSNP rs2485769931, ClinGen allele CA369610992.
Genomic context (GRCh38, chr7:142,752,983, plus strand): 5'-GGGGTGATGGCTGTGCCCAGAAGAACAAGCCTGGAGTCTACACCAAGGTCTACAACTATG[T>G]GAAATGGATTAAGAACACCATAGCTGCCAATAGCTAAAGCCCCCAGTATCTCTTCAGTCT-3'
Protein context (NP_002760.1, residues 226-246): PGVYTKVYNY[Val236Gly]KWIKNTIAAN

ClinVar aggregate classification (germline): Uncertain significance (1 of 4 stars; one submission).

Conditions:
Hereditary pancreatitis (PCTT). Also called: Hereditary chronic pancreatitis; PRSS1-Related Hereditary Pancreatitis. Identifiers: Orphanet 676, MedGen C0238339, MONDO:0008185, OMIM 167800.

Submission:

Ambry Genetics
Classification: Uncertain significance for Hereditary pancreatitis. Last evaluated: 2024-01-13. Review status: criteria provided, single submitter. Criteria: Ambry Variant Classification Scheme 2023. Collection method: clinical testing. Allele origin: germline.
Comment: The p.V236G variant (also known as c.707T>G), located in coding exon 5 of the PRSS1 gene, results from a T to G substitution at nucleotide position 707. The valine at codon 236 is replaced by glycine, an amino acid with dissimilar properties. This amino acid position is conserved. In addition, the in silico prediction for this alteration is inconclusive. Since supporting evidence is limited at this time, the clinical significance of this alteration remains unclear.